The following is an entry in ClinVar:

ClinVar aggregate classification (germline): Likely pathogenic (1 of 4 stars; one submission).

Allele frequency attached by ClinVar (database versions not stated): gnomAD exomes 0.00001; TOPMed below 0.00001.
gnomAD v4.1: 11 of 1,614,176 alleles (0.00068%); highest among the groups gnomAD compares: Admixed American, 0.0017%; no homozygotes.

Submission:

Labcorp Genetics (formerly Invitae), Labcorp
Classification: Likely pathogenic. Last evaluated: 2025-12-17. Review status: criteria provided, single submitter. Criteria: Invitae Variant Classification Sherloc (09022015). Collection method: clinical testing. Allele origin: germline.
Comment: This sequence change affects a donor splice site in intron 18 of the DUOX2 gene. It is expected to disrupt RNA splicing. Variants that disrupt the donor or acceptor splice site typically lead to a loss of protein function (PMID: 16199547), and loss-of-function variants in DUOX2 are known to be pathogenic (PMID: 12110737, 18765513, 21565790, 24423310, 24735383). This variant is present in population databases (no rsID available, gnomAD 0.0009%). This variant has not been reported in the literature in individuals affected with DUOX2-related conditions. ClinVar contains an entry for this variant (Variation ID: 2870541). Algorithms developed to predict the effect of sequence changes on RNA splicing suggest that this variant may disrupt the consensus splice site. In summary, the currently available evidence indicates that the variant is pathogenic, but additional data are needed to prove that conclusively. Therefore, this variant has been classified as Likely Pathogenic.

Literature cited by the submitters: PubMed 16199547; PubMed 12110737; PubMed 18765513; PubMed 21565790; PubMed 24423310; PubMed 24735383.

NM_001363711.2(DUOX2):c.2334+1G>A

Gene: DUOX2 (dual oxidase 2; minus strand). Cytogenetic location: 15q21.1.
Variant type: single nucleotide variant.
Coding change: c.2334+1G>A on transcript NM_001363711.2 (MANE Select); the canonical splice donor site of the intron after coding-DNA position 2334, G replaced by A.
Molecular consequence: splice donor variant.
Genome position (GRCh38, 1-based): chr15:45,105,642, C>T on the plus strand (G>A on the coding strand, the complement: DUOX2 is on the minus strand). VCF-style: chr15-45105642-C-T. GRCh37 (hg19) VCF-style: chr15-45397840-C-T.
Other names: c.2334+1G>A (NM_014080.5).
Identifiers: ClinVar variation 2870541 (VCV002870541.3), dbSNP rs1311908399, ClinGen allele CA392269940.